The following is an entry in ClinVar:

NM_004360.5(CDH1):c.1254T>A (p.Asp418Glu)

Gene: CDH1 (cadherin 1; plus strand). Cytogenetic location: 16q22.1.
Variant type: single nucleotide variant.
Coding change: c.1254T>A on transcript NM_004360.5 (MANE Select); coding-DNA position 1254, T replaced by A.
Protein change: p.Asp418Glu; replaces aspartic acid 418 with glutamic acid.
Molecular consequence: missense variant. On other transcripts: 5 prime UTR variant (2), intron variant (1).
Genome position (GRCh38, 1-based): chr16:68,813,429, T>A. VCF-style: chr16-68813429-T-A. GRCh37 (hg19) VCF-style: chr16-68847332-T-A.
Other names: c.1254T>A (LRG_301t1); c.-362T>A (NM_001317185.2); c.-566T>A (NM_001317186.2); c.1137+1166T>A (NM_001317184.2); short protein forms D418E.
Identifiers: ClinVar variation 567252 (VCV000567252.11), dbSNP rs1057520936, ClinGen allele CA396461594.

ClinVar aggregate classification (germline): Conflicting classifications of pathogenicity. Review status: criteria provided, conflicting classifications (1 of 4 stars). 2 submissions from 2 submitters: Uncertain significance (1); Likely benign (1). Last evaluated 2026-06-16.

Conditions:
Hereditary cancer-predisposing syndrome. Also called: Hereditary Cancer Syndrome; Tumor predisposition; Hereditary neoplastic syndrome; Neoplastic Syndromes, Hereditary. Identifiers: Orphanet 140162, MedGen C0027672, MeSH D009386, MONDO:0015356.
Hereditary diffuse gastric adenocarcinoma (HDGC). Also called: DIFFUSE GASTRIC AND LOBULAR BREAST CANCER SYNDROME. Identifiers: Orphanet 26106, MedGen C1708349, MONDO:0007648, OMIM 137215.

Submissions (2):

Ambry Genetics
Classification: Likely benign for Hereditary cancer-predisposing syndrome. Last evaluated: 2026-06-16. Review status: criteria provided, single submitter. Criteria: Ambry Variant Classification Scheme 2023. Collection method: clinical testing. Allele origin: germline.

Labcorp Genetics (formerly Invitae), Labcorp
Classification: Uncertain significance for Hereditary diffuse gastric adenocarcinoma. Last evaluated: 2018-02-26. Review status: criteria provided, single submitter. Criteria: Invitae Variant Classification Sherloc (09022015). Collection method: clinical testing. Allele origin: germline.
Comment: In summary, the available evidence is currently insufficient to determine the role of this variant in disease. Therefore, it has been classified as a Variant of Uncertain Significance. Algorithms developed to predict the effect of missense changes on protein structure and function do not agree on the potential impact of this missense change (SIFT: "Deleterious"; PolyPhen-2: "Benign"; Align-GVGD: "Class C0"). This variant has not been reported in the literature in individuals with CDH1-related disease. This variant is not present in population databases (ExAC no frequency). This sequence change replaces aspartic acid with glutamic acid at codon 418 of the CDH1 protein (p.Asp418Glu). The aspartic acid residue is moderately conserved and there is a small physicochemical difference between aspartic acid and glutamic acid.